The following is an entry in ClinVar:

NM_018026.4(PACS1):c.1384G>A (p.Asp462Asn)

Gene: PACS1 (phosphofurin acidic cluster sorting protein 1; plus strand). Cytogenetic location: 11q13.2.
Variant type: single nucleotide variant.
Coding change: c.1384G>A on transcript NM_018026.4 (MANE Select); coding-DNA position 1384, G replaced by A.
Protein change: p.Asp462Asn; replaces aspartic acid 462 with asparagine.
Molecular consequence: missense variant.
Genome position (GRCh38, 1-based): chr11:66,230,557, G>A. VCF-style: chr11-66230557-G-A. GRCh37 (hg19) VCF-style: chr11-65998028-G-A.
Other names: c.1384G>A (NM_018026.2); short protein forms D462N.
Identifiers: ClinVar variation 3720824 (VCV003720824.3).

ClinVar aggregate classification (germline): Conflicting classifications of pathogenicity. Review status: criteria provided, conflicting classifications (1 of 4 stars). 2 submissions from 2 submitters: Uncertain significance (1); Likely benign (1). Last evaluated 2026-06-03.

Conditions:
Schuurs-Hoeijmakers syndrome. Also called: PACS1-Related Neurodevelopmental Disorder. Identifiers: Orphanet 329224, MedGen C3554343, MONDO:0014006, OMIM 615009.
Inborn genetic diseases. Identifiers: MedGen C0950123, MeSH D030342.

gnomAD v4.1: 10 of 1,613,322 alleles (0.00062%); highest among the groups gnomAD compares: Admixed American, 0.0017%; no homozygotes.

Submissions (2):

Ambry Genetics
Classification: Likely benign for Inborn genetic diseases. Last evaluated: 2026-06-03. Review status: criteria provided, single submitter. Criteria: Ambry Variant Classification Scheme 2023. Collection method: clinical testing. Allele origin: germline.

Labcorp Genetics (formerly Invitae), Labcorp
Classification: Uncertain significance for Schuurs-Hoeijmakers syndrome. Last evaluated: 2025-09-27. Review status: criteria provided, single submitter. Criteria: Invitae Variant Classification Sherloc (09022015). Collection method: clinical testing. Allele origin: germline.
Comment: This sequence change replaces aspartic acid, which is acidic and polar, with asparagine, which is neutral and polar, at codon 462 of the PACS1 protein (p.Asp462Asn). This variant is present in population databases (no rsID available, gnomAD 0.002%). This variant has not been reported in the literature in individuals affected with PACS1-related conditions. ClinVar contains an entry for this variant (Variation ID: 3720824). Invitae Evidence Modeling of protein sequence and biophysical properties (such as structural, functional, and spatial information, amino acid conservation, physicochemical variation, residue mobility, and thermodynamic stability) indicates that this missense variant is not expected to disrupt PACS1 protein function with a negative predictive value of 80%. In summary, the available evidence is currently insufficient to determine the role of this variant in disease. Therefore, it has been classified as a Variant of Uncertain Significance.